The following is an entry in ClinVar:

NM_000834.5(GRIN2B):c.2386T>C (p.Trp796Arg)

Gene: GRIN2B (glutamate ionotropic receptor NMDA type subunit 2B; minus strand). Cytogenetic location: 12p13.1.
Variant type: single nucleotide variant.
Coding change: c.2386T>C on transcript NM_000834.5 (MANE Select); coding-DNA position 2386, T replaced by C.
Protein change: p.Trp796Arg; replaces tryptophan 796 with arginine.
Molecular consequence: missense variant.
Genome position (GRCh38, 1-based): chr12:13,567,237, A>G on the plus strand (T>C on the coding strand, the complement: GRIN2B is on the minus strand). VCF-style: chr12-13567237-A-G. GRCh37 (hg19) VCF-style: chr12-13720171-A-G.
Other names: c.2386T>C, p.Trp796Arg (NM_001413992.1); short protein forms W796R.
Identifiers: ClinVar variation 4819295 (VCV004819295.1).
Genomic context (GRCh38, chr12:13,567,237, plus strand): 5'-CAATGTCCAGCTGGCTGCTCATGACCTCATTCTTCTCATTGTGACAAATGCCAGTGAGCC[A>G]GAGAGCTTCCAGTTCTTCCATCTCCCCTGGGGAAAGGACAGAGAAGGAAAATGGATAAAA-3'
Protein context (NP_000825.2, residues 786-806): DGEMEELEAL[Trp796Arg]LTGICHNEKN

ClinVar aggregate classification (germline): Likely pathogenic (1 of 4 stars; one submission).

Conditions:
Developmental and epileptic encephalopathy, 27 (DEE27). Also called: Epileptic encephalopathy, early infantile, 27; GRIN2B-Related Neurodevelopmental Disorder. Identifiers: Orphanet 3451, MedGen C4015316, MONDO:0014505, OMIM 616139.
Intellectual developmental disorder, autosomal dominant 6, with or without seizures. Also called: Intellectual disability, autosomal dominant 6; GRIN2B-related developmental delay, intellectual disability and autism spectrum disorder. Identifiers: Orphanet 589547, MedGen C3151411, MONDO:0013509, OMIM 613970.

Submission:

Institute of Human Genetics, Heidelberg University
Classification: Likely pathogenic for Intellectual developmental disorder, autosomal dominant 6, with or without seizures; Developmental and epileptic encephalopathy, 27. Last evaluated: 2026-01-13. Review status: criteria provided, single submitter. Criteria: ACMG Guidelines, 2015. Collection method: clinical testing. Allele origin: de novo. Affected: yes. Observed: 1 variant allele.
Comment: PS2_supp;PM1;PM2_supp;PP3_mod; PP2